The following is an entry in ClinVar:

NM_006904.7(PRKDC):c.2529C>T (p.Asn843=)

Gene: PRKDC (protein kinase, DNA-activated, catalytic subunit; minus strand). Cytogenetic location: 8q11.21.
Variant type: single nucleotide variant.
Coding change: c.2529C>T on transcript NM_006904.7 (MANE Select); coding-DNA position 2529, C replaced by T.
Protein change: p.Asn843=; no amino-acid change (asparagine 843 retained).
Molecular consequence: synonymous variant.
Genome position (GRCh38, 1-based): chr8:47,915,416, G>A on the plus strand (C>T on the coding strand, the complement: PRKDC is on the minus strand). VCF-style: chr8-47915416-G-A. GRCh37 (hg19) VCF-style: chr8-48827976-G-A.
Other names: c.2529C>T, p.Asn843= (NM_001081640.2).
Identifiers: ClinVar variation 1169976 (VCV001169976.20), dbSNP rs576550975, ClinGen allele CA4741435.
Genomic context (GRCh38, chr8:47,915,416, plus strand): 5'-TCCTAGAGATCCAAGCATTTGTACTACTCTAATTCTTATTTCTTCTAAGGATATTGCTTC[G>A]TTCTGTAAATTTGAACAATTGTATATATGTGATTACAAATGGGTTAAAGATTAAATAGAA-3'
Protein context (NP_008835.5, residues 833-853): HLKKTKNLSS[Asn843=]EAISLEEIRI

ClinVar aggregate classification (germline): Benign/Likely benign. Review status: criteria provided, multiple submitters, no conflicts (2 of 4 stars). 5 submissions from 5 submitters: Benign (1); Likely benign (2). 2 of the submissions do not count toward it. Last evaluated 2026-01-28.

Conditions:
Severe combined immunodeficiency due to DNA-PKcs deficiency. Also called: IMMUNODEFICIENCY 26 WITH NEUROLOGIC ABNORMALITIES; Immunodeficiency 26 with or without neurologic abnormalities. Identifiers: Orphanet 317425, MedGen C4014833, MONDO:0014423, OMIM 615966.

Allele frequency attached by ClinVar (database versions not stated): gnomAD 0.00008 and 0.00032; TOPMed 0.00011; gnomAD exomes 0.00037 and 0.00082; ExAC 0.00222; 1000 Genomes Project 30x 0.00328; 1000 Genomes Project 0.00419.
gnomAD v4.1: 560 of 1,515,434 alleles (0.037%); highest among the groups gnomAD compares: South Asian, 0.62%; 3 homozygotes.

Submissions (5):

Labcorp Genetics (formerly Invitae), Labcorp
Classification: Benign for Severe combined immunodeficiency due to DNA-PKcs deficiency. Last evaluated: 2026-01-28. Review status: criteria provided, single submitter. Criteria: Invitae Variant Classification Sherloc (09022015). Collection method: clinical testing. Allele origin: germline.

CeGaT Center for Human Genetics Tuebingen
Classification: Likely benign. Last evaluated: 2025-07-01. Review status: criteria provided, single submitter. Criteria: CeGaT Center For Human Genetics Tuebingen Variant Classification Criteria Version 2. Collection method: clinical testing. Allele origin: germline. Affected: yes. Observed: 1 variant allele.
Comment: PRKDC: BP4, BP7

Ambry Genetics
Classification: Likely benign. Last evaluated: 2022-02-12. Review status: criteria provided, single submitter. Criteria: Ambry Variant Classification Scheme 2023. Collection method: clinical testing. Allele origin: germline.

Clinical Genetics DNA and cytogenetics Diagnostics Lab, Erasmus MC, Erasmus Medical Center
Classification: Likely benign. Review status: no assertion criteria provided. Collection method: clinical testing. Allele origin: germline. Affected: yes. Study: VKGL Data-share Consensus. Not counted in ClinVar's aggregate classification.

Genome Diagnostics Laboratory, University Medical Center Utrecht
Classification: Likely benign. Review status: no assertion criteria provided. Collection method: clinical testing. Allele origin: germline. Affected: yes. Study: VKGL Data-share Consensus. Not counted in ClinVar's aggregate classification.